The following is an entry in ClinVar:

ClinVar aggregate classification (germline): Uncertain significance (1 of 4 stars; one submission).

Conditions:
Pierson syndrome. Also called: MICROCORIA-CONGENITAL NEPHROTIC SYNDROME. Identifiers: Orphanet 2670, MedGen C1836876, MONDO:0012184, OMIM 609049.
LAMB2-related infantile-onset nephrotic syndrome. Also called: Nephrotic Syndrome, type 5; NEPHROTIC SYNDROME, TYPE 5, WITHOUT OCULAR ABNORMALITIES; NEPHROTIC SYNDROME, TYPE 5, WITH OCULAR ABNORMALITIES. Identifiers: Orphanet 306507, MedGen C3280113, MONDO:0013621, OMIM 614199.

Allele frequency attached by ClinVar (database versions not stated): gnomAD exomes below 0.00001; ExAC 0.00001; TOPMed 0.00001; ESP Exome Variant Server 0.00008.

Submission:

Labcorp Genetics (formerly Invitae), Labcorp
Classification: Uncertain significance for LAMB2-related infantile-onset nephrotic syndrome; Pierson syndrome. Last evaluated: 2022-08-10. Review status: criteria provided, single submitter. Criteria: Invitae Variant Classification Sherloc (09022015). Collection method: clinical testing. Allele origin: germline.
Comment: In summary, the available evidence is currently insufficient to determine the role of this variant in disease. Therefore, it has been classified as a Variant of Uncertain Significance. Algorithms developed to predict the effect of missense changes on protein structure and function output the following: SIFT: "Tolerated"; PolyPhen-2: "Benign"; Align-GVGD: "Class C0". The proline amino acid residue is found in multiple mammalian species, which suggests that this missense change does not adversely affect protein function. This variant has not been reported in the literature in individuals affected with LAMB2-related conditions. This variant is present in population databases (rs377519693, gnomAD 0.002%). This sequence change replaces glutamine, which is neutral and polar, with proline, which is neutral and non-polar, at codon 545 of the LAMB2 protein (p.Gln545Pro).

NM_002292.4(LAMB2):c.1634A>C (p.Gln545Pro)

Gene: LAMB2 (laminin subunit beta 2; minus strand). Cytogenetic location: 3p21.31.
Variant type: single nucleotide variant.
Coding change: c.1634A>C on transcript NM_002292.4 (MANE Select); coding-DNA position 1634, A replaced by C.
Protein change: p.Gln545Pro; replaces glutamine 545 with proline.
Molecular consequence: missense variant.
Genome position (GRCh38, 1-based): chr3:49,129,117, T>G on the plus strand (A>C on the coding strand, the complement: LAMB2 is on the minus strand). VCF-style: chr3-49129117-T-G. GRCh37 (hg19) VCF-style: chr3-49166550-T-G.
Other names: short protein forms Q545P.
Identifiers: ClinVar variation 2142618 (VCV002142618.4), dbSNP rs377519693, ClinGen allele CA2394540.